The following is an entry in ClinVar:

ClinVar aggregate classification (germline): Pathogenic/Likely pathogenic. Review status: criteria provided, multiple submitters, no conflicts (2 of 4 stars). 2 submissions from 2 submitters: Pathogenic (1); Likely pathogenic (1). Last evaluated 2020-03-09.

Conditions:
Immunodeficiency 64. Also called: IMMUNODEFICIENCY 64 WITH LYMPHOPROLIFERATION. Identifiers: Orphanet 664699, MedGen C5231402, MONDO:0032803, OMIM 618534.

Allele frequency attached by ClinVar (database versions not stated): gnomAD exomes 0.00002 and 0.00003; gnomAD 0.00001; ExAC 0.00002.
gnomAD v4.1: 26 of 1,517,350 alleles (0.0017%); highest among the groups gnomAD compares: South Asian, 0.03%; no homozygotes.

Submissions (2):

Revvity Omics, Revvity
Classification: Pathogenic for Immunodeficiency 64. Last evaluated: 2020-03-09. Review status: criteria provided, single submitter. Criteria: ACMG Guidelines, 2015. Collection method: clinical testing. Allele origin: germline.

Neuberg Centre For Genomic Medicine, NCGM
Classification: Likely pathogenic for Immunodeficiency 64. Review status: criteria provided, single submitter. Criteria: ACMG Guidelines, 2015. Collection method: clinical testing. Allele origin: germline. Inheritance: Autosomal recessive inheritance. Affected: yes.
Comment: The observed invariant splice acceptor c.327-1C>G variant in RASGRP1 gene has been submitted to the ClinVar database as Pathogenic, but no details are available for independent assessment. This variant has not been reported previously in affected individuals in the literature, to our knowledge. The c.327-1C>G variant is present with allele frequency of 0.003% in gnomAD Exomes. SpliceAI predicts this variant to cause splice acceptor loss 0.27. Loss of function variants have been previously reported to be disease causing. However, additional functional studies will be required to prove the pathogenicity of this variant. For these reasons, this variant has been classified as Likely Pathogenic. In absence of another reportable variant in RASGRP1 gene, the molecular diagnosis is not confirmed.

NM_005739.4(RASGRP1):c.327-1C>G

Gene: RASGRP1 (RAS guanyl releasing protein 1; minus strand). Cytogenetic location: 15q14.
Variant type: single nucleotide variant.
Coding change: c.327-1C>G on transcript NM_005739.4 (MANE Select); the canonical splice acceptor site of the intron before coding-DNA position 327, C replaced by G.
Molecular consequence: splice acceptor variant.
Genome position (GRCh38, 1-based): chr15:38,519,372, G>C on the plus strand (C>G on the coding strand, the complement: RASGRP1 is on the minus strand). VCF-style: chr15-38519372-G-C. GRCh37 (hg19) VCF-style: chr15-38811573-G-C.
Other names: c.327-1C>G (NM_001306086.2, NM_001128602.2).
Identifiers: ClinVar variation 1323520 (VCV001323520.5), dbSNP rs772305736, ClinGen allele CA7471140.